The following is an entry in ClinVar:

NM_001386298.1(CIC):c.4187A>G (p.Asn1396Ser)

Gene: CIC (capicua transcriptional repressor; plus strand). Cytogenetic location: 19q13.2.
Variant type: single nucleotide variant.
Coding change: c.4187A>G on transcript NM_001386298.1 (MANE Select); coding-DNA position 4187, A replaced by G.
Protein change: p.Asn1396Ser; replaces asparagine 1396 with serine.
Molecular consequence: missense variant.
Genome position (GRCh38, 1-based): chr19:42,289,947, A>G. VCF-style: chr19-42289947-A-G. GRCh37 (hg19) VCF-style: chr19-42794099-A-G.
Other names: c.4187A>G, p.Asn1396Ser (NM_001304815.2, NM_001379480.1, NM_001379482.1); c.1460A>G, p.Asn487Ser (NM_001379484.1, NM_001379485.1, NM_015125.5); short protein forms N1396S, N487S.
Identifiers: ClinVar variation 3361622 (VCV003361622.1).

ClinVar aggregate classification (germline): Uncertain significance (1 of 4 stars; one submission).

Submission:

GeneDx
Classification: Uncertain significance. Last evaluated: 2023-08-03. Review status: criteria provided, single submitter. Criteria: GeneDx Variant Classification Process June 2021. Collection method: clinical testing. Allele origin: germline. Affected: yes.
Comment: Not observed at significant frequency in large population cohorts (gnomAD); In silico analysis supports that this missense variant does not alter protein structure/function; Has not been previously published as pathogenic or benign to our knowledge